The following is an entry in ClinVar:

NM_003002.4(SDHD):c.314+6T>C

Gene: SDHD (succinate dehydrogenase complex subunit D; plus strand). Cytogenetic location: 11q23.1.
Variant type: single nucleotide variant.
Coding change: c.314+6T>C on transcript NM_003002.4 (MANE Select); 6 bases into the intron after coding-DNA position 314, T replaced by C.
Molecular consequence: intron variant.
Genome position (GRCh38, 1-based): chr11:112,089,017, T>C. VCF-style: chr11-112089017-T-C. GRCh37 (hg19) VCF-style: chr11-111959741-T-C.
Other names: c.314+6T>C (NM_001276506.2); c.169+1044T>C (NM_001276503.2); c.197+6T>C (NM_001276504.2).
Identifiers: ClinVar variation 533793 (VCV000533793.12), dbSNP rs1555187085, ClinGen allele CA658797781.

ClinVar aggregate classification (germline): Uncertain significance (1 of 4 stars; one submission).

Conditions:
Pheochromocytoma. Also called: MAX-Related Hereditary Paraganglioma-Pheochromocytoma Syndrome. Identifiers: Orphanet 29072, MedGen C0031511, MONDO:0008233, OMIM 171300, HP:0002666.
Cowden syndrome 3 (CWS3). Identifiers: Orphanet 201, MedGen CN166604, MONDO:0014045.
Carney-Stratakis syndrome. Also called: PARAGANGLIOMA AND GASTROINTESTINAL STROMAL TUMOR. Identifiers: Orphanet 97286, MedGen C1847319, MONDO:0011740, OMIM 606864.
Paragangliomas with sensorineural hearing loss. Identifiers: MedGen C1868633.

Submission:

Labcorp Genetics (formerly Invitae), Labcorp
Classification: Uncertain significance for Carney-Stratakis syndrome; Paragangliomas with sensorineural hearing loss; Pheochromocytoma; Cowden syndrome 3. Last evaluated: 2019-10-26. Review status: criteria provided, single submitter. Criteria: Invitae Variant Classification Sherloc (09022015). Collection method: clinical testing. Allele origin: germline.
Comment: In summary, the available evidence is currently insufficient to determine the role of this variant in disease. Therefore, it has been classified as a Variant of Uncertain Significance. Nucleotide substitutions within the consensus splice site are a relatively common cause of aberrant splicing (PMID: 17576681, 9536098). Algorithms developed to predict the effect of sequence changes on RNA splicing suggest that this variant is not likely to affect RNA splicing, but this prediction has not been confirmed by published transcriptional studies. This variant has not been reported in the literature in individuals with SDHD-related disease. ClinVar contains an entry for this variant (Variation ID: 533793). This variant is not present in population databases (ExAC no frequency). This sequence change falls in intron 3 of the SDHD gene. It does not directly change the encoded amino acid sequence of the SDHD protein, but it affects a nucleotide within the consensus splice site of the intron.

Literature cited by the submitters: PubMed 17576681; PubMed 9536098.